The following is an entry in ClinVar:

NM_001164508.2(NEB):c.10555A>C (p.Ser3519Arg)

Gene: NEB (nebulin; minus strand). Cytogenetic location: 2q23.3.
Variant type: single nucleotide variant.
Coding change: c.10555A>C on transcript NM_001164508.2 (MANE Select); coding-DNA position 10555, A replaced by C.
Protein change: p.Ser3519Arg; replaces serine 3519 with arginine.
Molecular consequence: missense variant.
Genome position (GRCh38, 1-based): chr2:151,620,924, T>G on the plus strand (A>C on the coding strand, the complement: NEB is on the minus strand). VCF-style: chr2-151620924-T-G. GRCh37 (hg19) VCF-style: chr2-152477438-T-G.
Other names: c.10555A>C, p.Ser3519Arg (NM_001164507.2, NM_001271208.2); c.9826A>C, p.Ser3276Arg (NM_004543.5); short protein forms S3519R, S3276R.
Identifiers: ClinVar variation 3640387 (VCV003640387.2).

ClinVar aggregate classification (germline): Uncertain significance (1 of 4 stars; one submission).

Conditions:
Nemaline myopathy 2 (NEM2). Also called: Nemaline myopathy 2, autosomal recessive. Identifiers: MedGen C1850569, MONDO:0009725, OMIM 256030.

Submission:

Labcorp Genetics (formerly Invitae), Labcorp
Classification: Uncertain significance for Nemaline myopathy 2. Last evaluated: 2024-03-18. Review status: criteria provided, single submitter. Criteria: Invitae Variant Classification Sherloc (09022015). Collection method: clinical testing. Allele origin: germline.
Comment: This sequence change replaces serine, which is neutral and polar, with arginine, which is basic and polar, at codon 3519 of the NEB protein (p.Ser3519Arg). This variant is not present in population databases (gnomAD no frequency). This missense change has been observed in individual(s) with congenital myopathy (Invitae). In at least one individual the data is consistent with being in trans (on the opposite chromosome) from a pathogenic variant. Experimental studies and prediction algorithms are not available or were not evaluated, and the functional significance of this variant is currently unknown. In summary, the available evidence is currently insufficient to determine the role of this variant in disease. Therefore, it has been classified as a Variant of Uncertain Significance.